The following is an entry in ClinVar:

NM_001384474.1(LOXHD1):c.1787C>G (p.Thr596Arg)

Gene: LOXHD1 (lipoxygenase homology PLAT domains 1; minus strand). Cytogenetic location: 18q21.1.
Variant type: single nucleotide variant.
Coding change: c.1787C>G on transcript NM_001384474.1 (MANE Select); coding-DNA position 1787, C replaced by G.
Protein change: p.Thr596Arg; replaces threonine 596 with arginine.
Molecular consequence: missense variant.
Genome position (GRCh38, 1-based): chr18:46,579,652, G>C on the plus strand (C>G on the coding strand, the complement: LOXHD1 is on the minus strand). VCF-style: chr18-46579652-G-C. GRCh37 (hg19) VCF-style: chr18-44159615-G-C.
Other names: c.1787C>G, p.Thr596Arg (NM_144612.7); short protein forms T596R.
Identifiers: ClinVar variation 1388716 (VCV001388716.3), dbSNP rs2144146851, ClinGen allele CA402378902.

ClinVar aggregate classification (germline): Uncertain significance (1 of 4 stars; one submission).

Submission:

Labcorp Genetics (formerly Invitae), Labcorp
Classification: Uncertain significance. Last evaluated: 2021-10-22. Review status: criteria provided, single submitter. Criteria: Invitae Variant Classification Sherloc (09022015). Collection method: clinical testing. Allele origin: germline.
Comment: This sequence change replaces threonine with arginine at codon 596 of the LOXHD1 protein (p.Thr596Arg). The threonine residue is weakly conserved and there is a moderate physicochemical difference between threonine and arginine. This variant is not present in population databases (ExAC no frequency). This variant has not been reported in the literature in individuals affected with LOXHD1-related conditions. Algorithms developed to predict the effect of missense changes on protein structure and function are either unavailable or do not agree on the potential impact of this missense change (SIFT: "Deleterious"; PolyPhen-2: "Benign"; Align-GVGD: "Class C0"). In summary, the available evidence is currently insufficient to determine the role of this variant in disease. Therefore, it has been classified as a Variant of Uncertain Significance.